The following is an entry in ClinVar:

NM_001165963.4(SCN1A):c.3985C>T (p.Arg1329Ter)

Genes: SCN1A (sodium voltage-gated channel alpha subunit 1; minus strand), LOC102724058 (uncharacterized LOC102724058; plus strand). Cytogenetic location: 2q24.3.
Variant type: single nucleotide variant.
Coding change: c.3985C>T on transcript NM_001165963.4 (MANE Select); coding-DNA position 3985, C replaced by T.
Protein change: p.Arg1329Ter; replaces arginine 1329 with a stop codon.
Molecular consequence: nonsense. On other transcripts: non-coding transcript variant (1).
Genome position (GRCh38, 1-based): chr2:166,009,736, G>A on the plus strand (C>T on the coding strand, the complement: SCN1A is on the minus strand). VCF-style: chr2-166009736-G-A. GRCh37 (hg19) VCF-style: chr2-166866246-G-A.
Other names: p.R1329*:CGA>TGA; NP_001159435.1:p.(Arg1329Ter); c.3901C>T, p.Arg1301Ter (NM_001165964.3, NM_001353957.2, NM_001353958.2); c.3985C>T, p.Arg1329Ter (NM_001202435.3, NM_001353948.2); c.3952C>T, p.Arg1318Ter (NM_001353949.2, NM_001353950.2, NM_001353951.2 and 2 more transcripts); c.3949C>T, p.Arg1317Ter (NM_001353954.2, NM_001353955.2); c.3898C>T, p.Arg1300Ter (NM_001353960.2); c.1543C>T, p.Arg515Ter (NM_001353961.2); short protein forms R1318*, R1329*, R515*, R1300*, R1301*, R1317*.
Identifiers: ClinVar variation 206816 (VCV000206816.26), dbSNP rs796053004, ClinGen allele CA317421.

ClinVar aggregate classification (germline): Pathogenic. Review status: criteria provided, multiple submitters, no conflicts (2 of 4 stars). 10 submissions from 10 submitters: Pathogenic (9). 1 of the submissions does not count toward it. Last evaluated 2024-12-12.

Conditions:
SCN1A-related disorder. Also called: SCN1A-related conditions; SCN1A-related condition; SCN1A-related disorders.
Early-infantile DEE. Also called: Ohtahara syndrome; Early infantile epileptic encephalopathy; Early infantile epileptic encephalopathy with suppression bursts. Identifiers: Orphanet 1934, MedGen C0393706, MONDO:0800491.
Developmental and epileptic encephalopathy, 6A. Also called: Developmental and epileptic encephalopathy, 6; SCN1A-Related Severe Myoclonic Epilepsy in Infancy; Early Infantile Epileptic Encephalopathy 6. Identifiers: MedGen CN293401, MONDO:0100079.
Inborn genetic diseases. Identifiers: MedGen C0950123, MeSH D030342.
Generalized epilepsy with febrile seizures plus, type 2 (GEFSP2). Also called: GEFS+, TYPE 2. Identifiers: Orphanet 36387, MedGen C1858673, MONDO:0011461, OMIM 604403.
Severe myoclonic epilepsy in infancy (DRVT). Also called: Dravet syndrome; SEVERE MYOCLONIC EPILEPSY OF INFANCY; DEVELOPMENTAL AND EPILEPTIC ENCEPHALOPATHY 6A; Epileptic encephalopathy, early infantile, 6 (Dravet syndrome); Severe Myoclonic Epilepsy in Infancy (SMEI). Identifiers: Orphanet 33069, MedGen C0751122, MONDO:0100135, OMIM 607208.

Submissions (10):

Labcorp Genetics (formerly Invitae), Labcorp
Classification: Pathogenic for Early-infantile DEE. Last evaluated: 2024-12-12. Review status: criteria provided, single submitter. Criteria: Invitae Variant Classification Sherloc (09022015). Collection method: clinical testing. Allele origin: germline.
Comment: This sequence change creates a premature translational stop signal (p.Arg1329*) in the SCN1A gene. It is expected to result in an absent or disrupted protein product. Loss-of-function variants in SCN1A are known to be pathogenic (PMID: 17347258, 18930999). This variant is not present in population databases (gnomAD no frequency). This premature translational stop signal has been observed in individual(s) with Dravet syndrome (PMID: 18930999, 25754450). In at least one individual the variant was observed to be de novo. ClinVar contains an entry for this variant (Variation ID: 206816). For these reasons, this variant has been classified as Pathogenic.

Blueprint Genetics
Classification: Pathogenic for SCN1A-related disorders. Last evaluated: 2024-03-01. Review status: criteria provided, single submitter. Criteria: ACMG Guidelines, 2015. Collection method: clinical testing. Allele origin: germline. Affected: yes. Observed: 3 variant alleles.

Unidad de Genómica Garrahan, Hospital de Pediatría Garrahan
Classification: Pathogenic for Severe myoclonic epilepsy in infancy. Last evaluated: 2024-01-01. Review status: criteria provided, single submitter. Criteria: ACMG Guidelines, 2015. Collection method: clinical testing. Allele origin: germline. Affected: yes. Observed: 1 variant allele.

Victorian Clinical Genetics Services, Murdoch Childrens Research Institute
Classification: Pathogenic for Developmental and epileptic encephalopathy, 6A. Last evaluated: 2023-07-16. Review status: criteria provided, single submitter. Criteria: ACMG Guidelines, 2015. Collection method: clinical testing. Allele origin: germline. Inheritance: Autosomal dominant inheritance.
Comment: Based on the classification scheme VCGS_Germline_v1.3.4, this variant is classified as Pathogenic. Following criteria are met: 0103 - Loss of function and gain of function are known mechanisms of disease in this gene and are associated with SCN1A-related epilepsy (PMID: 28488083). (I) 0107 - This gene is associated with autosomal dominant disease. (I) 0201 - Variant is predicted to cause nonsense-mediated decay (NMD) and loss of protein (premature termination codon is located at least 54 nucleotides upstream of the final exon-exon junction). (SP) 0251 - This variant is heterozygous. (I) 0301 - Variant is absent from gnomAD (both v2 and v3). (SP) 0701 - Other NMD-predicted variant comparable to the one identified in this case have very strong previous evidence for pathogenicity. NMD-predicted variants are well-reported as pathogenic in ClinVar and the literature (PMID: 18930999). (SP) 0801 - This variant has strong previous evidence of pathogenicity in unrelated individuals. This variant has been classified as pathogenic by multiple clinical laboratories in ClinVar. It has also been reported in the literature de novo in an individual with Dravet syndrome (PMID: 18930999). (SP) 1208 - Inheritance information for this variant is not currently available in this individual. (I) Legend: (SP) - Supporting pathogenic, (I) - Information, (SB) - Supporting benign

GeneDx
Classification: Pathogenic. Last evaluated: 2023-03-07. Review status: criteria provided, single submitter. Criteria: GeneDx Variant Classification Process June 2021. Collection method: clinical testing. Allele origin: germline. Affected: yes.
Comment: Reported previously as a maternally inherited variant in siblings with Dravet syndrome; their mother was mosaic for the variant with a history of migraines (Selmer et al., 2009); Nonsense variant predicted to result in protein truncation or nonsense mediated decay in a gene for which loss of function is a known mechanism of disease; Not observed at significant frequency in large population cohorts (gnomAD); This variant is associated with the following publications: (PMID: 25525159, 22719002, 24836964, 21248271, 21269283, 18413471, 19400878, 22409937, 16430863, 15880351, 15508915, 25754450, 22151702, 31164858, 31864146, 32090326, 35074891, 35813073, 18930999, 19673951)

Ambry Genetics
Classification: Pathogenic for Inborn genetic diseases. Last evaluated: 2022-06-08. Review status: criteria provided, single submitter. Criteria: Ambry Variant Classification Scheme 2023. Collection method: clinical testing. Allele origin: germline.
Comment: The c.3985C>T (p.R1329*) alteration, located in coding exon 20 of the SCN1A gene, consists of a C to T substitution at nucleotide position 3985. This changes the amino acid from a Arginine (R) to a stop codon at amino acid position 1329. This alteration is expected to result in loss of function by premature protein truncation or nonsense-mediated mRNA decay. Although loss of function alterations in SCN1A have been associated with Dravet syndrome, haploinsufficiency for SCN1A has not been established as a mechanism of disease for SCN1A-related developmental and epileptic encephalopathy, SCN1A-related hemiplegic migraine, and SCN1A-related GEFS+. Based on the available evidence, the SCN1A c.3985C>T (p.R1329*) alteration is classified as pathogenic for Dravet syndrome; however, its clinical significance for SCN1A-related developmental and epileptic encephalopathy, SCN1A-related hemiplegic migraine, and SCN1A-related GEFS+ is unclear. This variant was not reported in population-based cohorts in the Genome Aggregation Database (gnomAD). This alteration has been reported in multiple individuals with Dravet syndrome (Demos, 2019; Depienne, 2009; Gertler, 2020; Selmer, 2009; Zuberi, 2011). Based on the available evidence, this alteration is classified as pathogenic.

Revvity Omics, Revvity
Classification: Pathogenic. Last evaluated: 2019-03-04. Review status: criteria provided, single submitter. Criteria: ACMG Guidelines, 2015. Collection method: clinical testing. Allele origin: germline.

Institute of Human Genetics, University of Leipzig Medical Center
Classification: Pathogenic for Severe myoclonic epilepsy in infancy. Last evaluated: 2017-11-17. Review status: criteria provided, single submitter. Criteria: ACMG Guidelines, 2015. Collection method: clinical testing. Allele origin: germline. Affected: yes. Observed: 1 variant allele.

Athena Diagnostics
Classification: Pathogenic for Severe myoclonic epilepsy in infancy. Last evaluated: 2014-10-24. Review status: criteria provided, single submitter. Criteria: Athena Diagnostics Criteria. Collection method: clinical testing. Allele origin: germline. Inheritance: Autosomal dominant inheritance.

Laboratory of Medical Genetics, National & Kapodistrian University of Athens
Classification: Pathogenic for Generalized epilepsy with febrile seizures plus, type 2. Last evaluated: 2020-02-19. Review status: no assertion criteria provided. Collection method: clinical testing. Allele origin: germline. Affected: yes. Not counted in ClinVar's aggregate classification.

Literature cited by the submitters: PubMed 17347258 (cited by Labcorp Genetics (formerly Invitae), Labcorp); PubMed 18930999 (cited by 4 submitters); PubMed 25754450 (cited by Labcorp Genetics (formerly Invitae), Labcorp); PubMed 28488083 (cited by Victorian Clinical Genetics Services, Murdoch Childrens Research Institute); PubMed 19673951 (cited by 3 submitters); PubMed 21248271 (cited by Ambry Genetics); PubMed 31164858 (cited by Ambry Genetics); PubMed 31864146 (cited by Ambry Genetics).